The following is an entry in ClinVar:

ClinVar aggregate classification (germline): Uncertain significance (1 of 4 stars; one submission).

Allele frequency attached by ClinVar (database versions not stated): gnomAD exomes below 0.00001.
gnomAD v4.1: 1 of 1,614,214 alleles (0.000062%); highest among the groups gnomAD compares: Non-Finnish European, 0.000085%; no homozygotes.

Submission:

Labcorp Genetics (formerly Invitae), Labcorp
Classification: Uncertain significance. Last evaluated: 2021-08-28. Review status: criteria provided, single submitter. Criteria: Invitae Variant Classification Sherloc (09022015). Collection method: clinical testing. Allele origin: germline.
Comment: In summary, the available evidence is currently insufficient to determine the role of this variant in disease. Therefore, it has been classified as a Variant of Uncertain Significance. Algorithms developed to predict the effect of missense changes on protein structure and function are either unavailable or do not agree on the potential impact of this missense change (SIFT: "Tolerated"; PolyPhen-2: "Probably Damaging"; Align-GVGD: "Class C0"). This variant has not been reported in the literature in individuals affected with RTN4IP1-related conditions. This variant is not present in population databases (ExAC no frequency). This sequence change replaces leucine with proline at codon 119 of the RTN4IP1 protein (p.Leu119Pro). The leucine residue is moderately conserved and there is a moderate physicochemical difference between leucine and proline.

NM_032730.5(RTN4IP1):c.356T>C (p.Leu119Pro)

Gene: RTN4IP1 (reticulon 4 interacting protein 1; minus strand). Cytogenetic location: 6q21.
Variant type: single nucleotide variant.
Coding change: c.356T>C on transcript NM_032730.5 (MANE Select); coding-DNA position 356, T replaced by C.
Protein change: p.Leu119Pro; replaces leucine 119 with proline.
Molecular consequence: missense variant.
Genome position (GRCh38, 1-based): chr6:106,622,888, A>G on the plus strand (T>C on the coding strand, the complement: RTN4IP1 is on the minus strand). VCF-style: chr6-106622888-A-G. GRCh37 (hg19) VCF-style: chr6-107070763-A-G.
Other names: c.56T>C, p.Leu19Pro (NM_001318746.1); short protein forms L19P, L119P.
Identifiers: ClinVar variation 1487015 (VCV001487015.6), dbSNP rs2114681951, ClinGen allele CA365165993.